The following is an entry in ClinVar:

NM_001148.6(ANK2):c.9473C>T (p.Pro3158Leu)

Gene: ANK2 (ankyrin 2; plus strand). Cytogenetic location: 4q26.
Variant type: single nucleotide variant.
Coding change: c.9473C>T on transcript NM_001148.6 (MANE Select); coding-DNA position 9473, C replaced by T.
Protein change: p.Pro3158Leu; replaces proline 3158 with leucine.
Molecular consequence: missense variant. On other transcripts: intron variant (68).
Genome position (GRCh38, 1-based): chr4:113,358,091, C>T. VCF-style: chr4-113358091-C-T. GRCh37 (hg19) VCF-style: chr4-114279247-C-T.
Other names: c.9239C>T, p.Pro3080Leu (NM_001386142.1); c.5873C>T, p.Pro1958Leu (NM_001386166.1); c.9614C>T, p.Pro3205Leu (NM_001386174.1); c.9590C>T, p.Pro3197Leu (NM_001386175.1); c.4412-2732C>T (NM_001386186.2, NM_001386148.2); c.4214-2732C>T (NM_001354269.3); c.4292-2732C>T (NM_001386187.2); c.4253-2732C>T (NM_001386147.1); and 35 more; short protein forms P3080L, P1958L, P3158L, P3205L, P3197L.
Identifiers: ClinVar variation 1400924 (VCV001400924.11), dbSNP rs760298528, ClinGen allele CA3051924.

ClinVar aggregate classification (germline): Uncertain significance. Review status: criteria provided, multiple submitters, no conflicts (2 of 4 stars). 2 submissions from 2 submitters: Uncertain significance (2). Last evaluated 2025-08-03.

Conditions:
Long QT syndrome (LQTS). Identifiers: MedGen C0023976, MeSH D008133, MONDO:0002442. Disease mechanism: loss of function. Inheritance: Various modes of inheritance.
Cardiovascular phenotype. Identifiers: MedGen CN230736.

Allele frequency attached by ClinVar (database versions not stated): ExAC 0.00001; gnomAD exomes 0.00001 and 0.00002; TOPMed 0.00001.
gnomAD v4.1: 24 of 1,614,052 alleles (0.0015%); highest among the groups gnomAD compares: South Asian, 0.0066%; no homozygotes.

Submissions (2):

Ambry Genetics
Classification: Uncertain significance for Cardiovascular phenotype. Last evaluated: 2025-08-03. Review status: criteria provided, single submitter. Criteria: Ambry Variant Classification Scheme 2023. Collection method: clinical testing. Allele origin: germline.

Labcorp Genetics (formerly Invitae), Labcorp
Classification: Uncertain significance for Long QT syndrome. Last evaluated: 2025-07-24. Review status: criteria provided, single submitter. Criteria: Invitae Variant Classification Sherloc (09022015). Collection method: clinical testing. Allele origin: germline.
Comment: This sequence change replaces proline, which is neutral and non-polar, with leucine, which is neutral and non-polar, at codon 3158 of the ANK2 protein (p.Pro3158Leu). This variant is present in population databases (rs760298528, gnomAD 0.003%). This variant has not been reported in the literature in individuals affected with ANK2-related conditions. ClinVar contains an entry for this variant (Variation ID: 1400924). An algorithm developed to predict the effect of missense changes on protein structure and function (PolyPhen-2) suggests that this variant is likely to be tolerated. In summary, the available evidence is currently insufficient to determine the role of this variant in disease. Therefore, it has been classified as a Variant of Uncertain Significance.